The following is an entry in ClinVar:

NM_000548.5(TSC2):c.1839+9G>A

Gene: TSC2 (TSC complex subunit 2; plus strand). Cytogenetic location: 16p13.3.
Variant type: single nucleotide variant.
Coding change: c.1839+9G>A on transcript NM_000548.5 (MANE Select); 9 bases into the intron after coding-DNA position 1839, G replaced by A.
Molecular consequence: intron variant.
Genome position (GRCh38, 1-based): chr16:2,070,587, G>A. VCF-style: chr16-2070587-G-A. GRCh37 (hg19) VCF-style: chr16-2120588-G-A.
Other names: c.1839+9G>A (NM_001114382.3, NM_021055.3, NM_001370405.1 and 3 more transcripts); c.1728+9G>A (NM_001318827.2); c.1239+9G>A (NM_001318831.2); c.1692+9G>A (NM_001318829.2); c.1872+9G>A (NM_001318832.2).
Identifiers: ClinVar variation 413684 (VCV000413684.14), dbSNP rs751834233, ClinGen allele CA033989.
Genomic context (GRCh38, chr16:2,070,587, plus strand): 5'-CCACTACAAGCACAGCTACACCCTGCCAATCGCGAGCAGCATCCGGCTGCAGGTATGGTG[G>A]CTGGGGTTGCGCAGCCAGTTCCTGGGGGCCCAGCCAGGTATCCCCGTCTCGGCAGGTGTG-3'

ClinVar aggregate classification (germline): Conflicting classifications of pathogenicity. Review status: criteria provided, conflicting classifications (1 of 4 stars). 4 submissions from 4 submitters: Uncertain significance (2); Likely benign (2). Last evaluated 2025-05-15.

Conditions:
Lymphangiomyomatosis (LAM). Also called: Lymphangioleiomyomatosis; Lymphangioleiomyomatosis, somatic. Identifiers: Orphanet 538, MedGen C0751674, MONDO:0011705, OMIM 606690.
Isolated focal cortical dysplasia type II (FCORD2). Also called: Focal cortical dysplasia type II; CORTICAL DYSPLASIA OF TAYLOR. Identifiers: Orphanet 268994, MedGen C1846385, MONDO:0011818, OMIM 607341, HP:0032051.
Tuberous sclerosis 2 (TSC2). Identifiers: Orphanet 805, MedGen C1860707, MONDO:0013199, OMIM 613254.

Allele frequency attached by ClinVar (database versions not stated): gnomAD exomes below 0.00001 and 0.00001; gnomAD 0.00001; ExAC 0.00002; TOPMed 0.00002.
gnomAD v4.1: 3 of 1,612,850 alleles (0.00019%); highest among the groups gnomAD compares: Non-Finnish European, 0.00025%; no homozygotes.

Submissions (4):

Myriad Genetics, Inc.
Classification: Likely benign for Tuberous sclerosis 2. Last evaluated: 2025-05-15. Review status: criteria provided, single submitter. Criteria: Myriad Autosomal Dominant, Autosomal Recessive and X-Linked Classification Criteria (2023). Collection method: clinical testing. Allele origin: unknown.
Comment: This variant is considered likely benign. This variant is intronic and is not expected to impact mRNA splicing.

Quest Diagnostics Nichols Institute San Juan Capistrano
Classification: Uncertain significance. Last evaluated: 2024-08-22. Review status: criteria provided, single submitter. Criteria: Quest Diagnostics criteria. Collection method: clinical testing. Allele origin: unknown.
Comment: This test has identified one copy of the c.1839+9G>A variant in the TSC2 gene. To the best of our knowledge, this variant has not been reported in the published literature. The frequency of this variant in the general population, 0.000008 (2/249466 chromosomes (Genome Aggregation Database)), is uninformative in the assessment of its pathogenicity. ClinVar contains an entry for this variant (URL:, Variation ID: 413684). Analysis of this variant using software algorithms for the prediction of the effect of nucleotide changes on TSC2 mRNA splicing yielded predictions that this variant may result in the gain of a cryptic splice site without affecting the natural splice sites (Alamut Visual). Please note that these prediction tools are not fully validated, and therefore, should be viewed with caution. Based on the available information, we are unable to determine the clinical significance of this variant.

Labcorp Genetics (formerly Invitae), Labcorp
Classification: Likely benign for Tuberous sclerosis 2. Last evaluated: 2024-06-17. Review status: criteria provided, single submitter. Criteria: Invitae Variant Classification Sherloc (09022015). Collection method: clinical testing. Allele origin: germline.

Fulgent Genetics
Classification: Uncertain significance for Lymphangiomyomatosis; Isolated focal cortical dysplasia type II; Tuberous sclerosis 2. Last evaluated: 2024-04-15. Review status: criteria provided, single submitter. Criteria: ACMG Guidelines, 2015. Collection method: clinical testing. Allele origin: germline.